The following is an entry in ClinVar:

ClinVar aggregate classification (germline): Uncertain significance (1 of 4 stars; one submission).

Conditions:
Malignant hyperthermia, susceptibility to, 1 (MHS1). Also called: RYR1-Related Malignant Hyperthermia Susceptibility; Malignant hyperthermia suceptibility 1; Anesthesia related hyperthermia; Malignant hyperpyrexia; Fulminating hyperpyrexia; Pharmacogenic myopathy. Identifiers: Orphanet 423, MedGen C2930980, MONDO:0007783, OMIM 145600.

Submission:

Color Diagnostics, LLC DBA Color Health
Classification: Uncertain significance for Malignant hyperthermia, susceptibility to, 1. Last evaluated: 2025-07-29. Review status: criteria provided, single submitter. Criteria: ACMG Guidelines, 2015. Collection method: clinical testing. Allele origin: germline.
Comment: This variant deletes 2 nucleotides in exon 34 of the RYR1 gene, creating a frameshift and premature translation stop signal. To our knowledge, this variant has not been reported in individuals affected with RYR1-related disorders in the literature. This variant has not been identified in the general population by the Genome Aggregation Database (gnomAD). Loss of RYR1 gene function due to haploinsufficiency is not an established disease mechanism for autosomal dominant malignant hyperthermia susceptibility. Therefore, this variant is classified as a Variant of Uncertain Significance.

NM_000540.3(RYR1):c.5192_5193del (p.Leu1730_Ser1731insTer)

Gene: RYR1 (ryanodine receptor 1; plus strand). Cytogenetic location: 19q13.2.
Variant type: Microsatellite.
Coding change: c.5192_5193del on transcript NM_000540.3 (MANE Select); coding-DNA positions 5192 to 5193, 2 bases deleted (CT; older notation c.5192_5193delCT).
Protein change: p.Leu1730_Ser1731insTer.
Molecular consequence: nonsense.
Genome position (GRCh38, 1-based): chr19:38,485,847-38,485,848, CT deleted; deleting any 2 consecutive bases within chr19:38,485,843-38,485,848 gives the same sequence; the c. name uses the placement nearest the transcript's 3' end. VCF-style (leftmost placement, unchanged base first): chr19-38485842-GCT-G. GRCh37 (hg19) VCF-style: chr19-38976482-GCT-G.
Other names: c.5192_5193del, p.Leu1730_Ser1731insTer (NM_001042723.2).
Identifiers: ClinVar variation 4759008 (VCV004759008.1).